The following is an entry in ClinVar:

ClinVar aggregate classification (germline): Uncertain significance. Review status: criteria provided, multiple submitters, no conflicts (2 of 4 stars). 2 submissions from 2 submitters: Uncertain significance (2). Last evaluated 2024-12-24.

Conditions:
Inborn genetic diseases. Identifiers: MedGen C0950123, MeSH D030342.

Allele frequency attached by ClinVar (database versions not stated): TOPMed below 0.00001; gnomAD 0.00001; gnomAD exomes 0.00001.
gnomAD v4.1: 7 of 1,613,242 alleles (0.00043%); highest among the groups gnomAD compares: Admixed American, 0.0017%; no homozygotes.

Submissions (2):

Ambry Genetics
Classification: Uncertain significance for Inborn genetic diseases. Last evaluated: 2024-12-24. Review status: criteria provided, single submitter. Criteria: Ambry Variant Classification Scheme 2023. Collection method: clinical testing. Allele origin: germline.
Comment: The p.E943A variant (also known as c.2828A>C), located in coding exon 1 of the SAMD9L gene, results from an A to C substitution at nucleotide position 2828. The glutamic acid at codon 943 is replaced by alanine, an amino acid with dissimilar properties. This amino acid position is conserved. In addition, this alteration is predicted to be tolerated by in silico analysis. Based on the available evidence, the clinical significance of this variant remains unclear.

Labcorp Genetics (formerly Invitae), Labcorp
Classification: Uncertain significance. Last evaluated: 2023-07-07. Review status: criteria provided, single submitter. Criteria: Invitae Variant Classification Sherloc (09022015). Collection method: clinical testing. Allele origin: germline.
Comment: This variant has not been reported in the literature in individuals affected with SAMD9L-related conditions. This sequence change replaces glutamic acid, which is acidic and polar, with alanine, which is neutral and non-polar, at codon 943 of the SAMD9L protein (p.Glu943Ala). This variant is not present in population databases (gnomAD no frequency). Advanced modeling of protein sequence and biophysical properties (such as structural, functional, and spatial information, amino acid conservation, physicochemical variation, residue mobility, and thermodynamic stability) has been performed at Invitae for this missense variant, however the output from this modeling did not meet the statistical confidence thresholds required to predict the impact of this variant on SAMD9L protein function. In summary, the available evidence is currently insufficient to determine the role of this variant in disease. Therefore, it has been classified as a Variant of Uncertain Significance.

NM_152703.5(SAMD9L):c.2828A>C (p.Glu943Ala)

Gene: SAMD9L (sterile alpha motif domain containing 9 like; minus strand). Cytogenetic location: 7q21.2.
Variant type: single nucleotide variant.
Coding change: c.2828A>C on transcript NM_152703.5 (MANE Select); coding-DNA position 2828, A replaced by C.
Protein change: p.Glu943Ala; replaces glutamic acid 943 with alanine.
Molecular consequence: missense variant.
Genome position (GRCh38, 1-based): chr7:93,133,144, T>G on the plus strand (A>C on the coding strand, the complement: SAMD9L is on the minus strand). VCF-style: chr7-93133144-T-G. GRCh37 (hg19) VCF-style: chr7-92762457-T-G.
Other names: c.2828A>C (NM_152703.2); c.2828A>C, p.Glu943Ala (NM_001303496.3, NM_001303497.3, NM_001303498.3 and 5 more transcripts); short protein forms E943A.
Identifiers: ClinVar variation 3004582 (VCV003004582.4), dbSNP rs1792219204, ClinGen allele CA368186314.
Genomic context (GRCh38, chr7:93,133,144, plus strand): 5'-TTGTCTTCTAAGCTTTCAGGTTCCCAGGGTGTACTAGTGTATATGATTCCCAAAAATATT[T>G]CACACTGTGAAACTGAAATTGTAGAGTCAGTAACATAAGAGCTGAGTAAAGCCAGGAAGG-3'
Protein context (NP_689916.2, residues 933-953): TDSTISVSQC[Glu943Ala]IFLGIIYTST